The following is an entry in ClinVar:

ClinVar aggregate classification (germline): Likely benign. Review status: reviewed by expert panel (3 of 4 stars). 5 submissions from 5 submitters: Likely benign (1). 4 of the submissions do not count toward it. Last evaluated 2023-11-02.

Conditions:
Glanzmann thrombasthenia. Also called: THROMBASTHENIA OF GLANZMANN AND NAEGELI; Thrombasthenia; PLATELET GLYCOPROTEIN IIb-IIIa DEFICIENCY; Glanzmann's thrombasthenia. Identifiers: Orphanet 849, MedGen C0040015, MONDO:0100326.

Allele frequency attached by ClinVar (database versions not stated): ExAC 0.00002; gnomAD exomes 0.00002 and 0.00005; TOPMed 0.00003; gnomAD 0.00004; ESP Exome Variant Server 0.00015.
gnomAD v4.1: 74 of 1,614,104 alleles (0.0046%); highest among the groups gnomAD compares: African/African-American, 0.0067%; no homozygotes.

Submissions (5):

ClinGen Platelet Disorders Variant Curation Expert Panel, ClinGen
Classification: Likely benign for Glanzmann thrombasthenia. Last evaluated: 2023-11-02. Review status: reviewed by expert panel. Criteria: ClinGen Platelet ACMG Specifications v2-1. Collection method: curation. Allele origin: germline. Inheritance: Autosomal recessive inheritance.
Comment: The c.1383C>T (p.Asn461=) variant is a synonymous variant that is not predicted by SpliceAI to impact splicing. In addition, it occurs at a nucleotide that is not conserved as shown by phyloP score of -0.913 (BP7 and BP4). The highest population minor allele frequency in gnomAD v2.1.1 is 0.00004396 (5/113734 alleles) in the European (non-Finnish) population, which is lower than the ClinGen PD VCEP threshold (<0.0001; PM2_Supporting). This variant was observed by Illumina as part of a predisposition screen in an ostensibly healthy population, however, no cases of the variant segregating with GT were found in the literature. In summary, this variant meets the criteria to be classified as Likely Benign for autosomal recessive Glanzmann Thrombasthenia based on the ACMG/AMP criteria applied, as specified by the ClinGen PD VCEP: BP4, BP7 and PM2_Supporting (VCEP specifications version 2.1).

Labcorp Genetics (formerly Invitae), Labcorp
Classification: Likely benign for Glanzmann thrombasthenia. Last evaluated: 2025-07-03. Review status: criteria provided, single submitter. Criteria: Invitae Variant Classification Sherloc (09022015). Collection method: clinical testing. Allele origin: germline. Not counted in ClinVar's aggregate classification.

Blueprint Genetics
Classification: Likely benign. Last evaluated: 2024-06-13. Review status: criteria provided, single submitter. Criteria: ACMG Guidelines, 2015. Collection method: clinical testing. Allele origin: germline. Not counted in ClinVar's aggregate classification.

Illumina Laboratory Services, Illumina
Classification: Uncertain significance for Glanzmann thrombasthenia 1. Last evaluated: 2018-03-30. Review status: criteria provided, single submitter. Criteria: ICSL Variant Classification Criteria 13 December 2019. Collection method: clinical testing. Allele origin: germline. Not counted in ClinVar's aggregate classification.

Breakthrough Genomics
Classification: Uncertain significance. Review status: criteria provided, single submitter. Criteria: ACMG Guidelines, 2015. Collection method: not provided. Allele origin: germline. Inheritance: Autosomal recessive inheritance. Affected: yes. Not counted in ClinVar's aggregate classification.

NM_000419.5(ITGA2B):c.1383C>T (p.Asn461=)

Gene: ITGA2B (integrin subunit alpha 2b; minus strand). Cytogenetic location: 17q21.31.
Variant type: single nucleotide variant.
Coding change: c.1383C>T on transcript NM_000419.5 (MANE Select); coding-DNA position 1383, C replaced by T.
Protein change: p.Asn461=; no amino-acid change (asparagine 461 retained).
Molecular consequence: synonymous variant.
Genome position (GRCh38, 1-based): chr17:44,380,889, G>A on the plus strand (C>T on the coding strand, the complement: ITGA2B is on the minus strand). VCF-style: chr17-44380889-G-A. GRCh37 (hg19) VCF-style: chr17-42458257-G-A.
Other names: NM_000419.5(ITGA2B):c.1383C>T; p.Asn461=.
Identifiers: ClinVar variation 888904 (VCV000888904.11), dbSNP rs367831764, ClinGen allele CA8603152.